The following is an entry in ClinVar:

ClinVar aggregate classification (germline): Uncertain significance (1 of 4 stars; one submission).

Submission:

Labcorp Genetics (formerly Invitae), Labcorp
Classification: Uncertain significance. Last evaluated: 2021-12-13. Review status: criteria provided, single submitter. Criteria: Invitae Variant Classification Sherloc (09022015). Collection method: clinical testing. Allele origin: germline.
Comment: This variant is not present in population databases (gnomAD no frequency). This sequence change replaces lysine, which is basic and polar, with asparagine, which is neutral and polar, at codon 116 of the CCDC8 protein (p.Lys116Asn). This variant has not been reported in the literature in individuals affected with CCDC8-related conditions. Algorithms developed to predict the effect of missense changes on protein structure and function are either unavailable or do not agree on the potential impact of this missense change (SIFT: "Deleterious"; PolyPhen-2: "Possibly Damaging"; Align-GVGD: "Class C0"). In summary, the available evidence is currently insufficient to determine the role of this variant in disease. Therefore, it has been classified as a Variant of Uncertain Significance.

NM_032040.5(CCDC8):c.348G>C (p.Lys116Asn)

Gene: CCDC8 (coiled-coil domain containing 8 subunit of 3M complex; minus strand). Cytogenetic location: 19q13.32.
Variant type: single nucleotide variant.
Coding change: c.348G>C on transcript NM_032040.5 (MANE Select); coding-DNA position 348, G replaced by C.
Protein change: p.Lys116Asn; replaces lysine 116 with asparagine.
Molecular consequence: missense variant.
Genome position (GRCh38, 1-based): chr19:46,412,463, C>G on the plus strand (G>C on the coding strand, the complement: CCDC8 is on the minus strand). VCF-style: chr19-46412463-C-G. GRCh37 (hg19) VCF-style: chr19-46915720-C-G.
Other names: short protein forms K116N.
Identifiers: ClinVar variation 1972168 (VCV001972168.5), dbSNP rs1011784471, ClinGen allele CA309064417.